The following is an entry in ClinVar:

ClinVar aggregate classification (germline): Uncertain significance (1 of 4 stars; one submission).

Conditions:
Cardiovascular phenotype. Identifiers: MedGen CN230736.

Allele frequency attached by ClinVar (database versions not stated): gnomAD exomes below 0.00001; TOPMed below 0.00001.

Submission:

Ambry Genetics
Classification: Uncertain significance for Cardiovascular phenotype. Last evaluated: 2024-04-04. Review status: criteria provided, single submitter. Criteria: Ambry Variant Classification Scheme 2023. Collection method: clinical testing. Allele origin: germline.
Comment: The p.M75I variant (also known as c.225G>A), located in coding exon 1 of the DOLK gene, results from a G to A substitution at nucleotide position 225. The methionine at codon 75 is replaced by isoleucine, an amino acid with highly similar properties. This amino acid position is poorly conserved in available vertebrate species. In addition, this alteration is predicted to be tolerated by in silico analysis. Since supporting evidence is limited at this time, the clinical significance of this alteration remains unclear.

NM_014908.4(DOLK):c.225G>A (p.Met75Ile)

Gene: DOLK (dolichol kinase; minus strand). Cytogenetic location: 9q34.11.
Variant type: single nucleotide variant.
Coding change: c.225G>A on transcript NM_014908.4 (MANE Select); coding-DNA position 225, G replaced by A.
Protein change: p.Met75Ile; replaces methionine 75 with isoleucine.
Molecular consequence: missense variant.
Genome position (GRCh38, 1-based): chr9:128,947,079, C>T on the plus strand (G>A on the coding strand, the complement: DOLK is on the minus strand). VCF-style: chr9-128947079-C-T. GRCh37 (hg19) VCF-style: chr9-131709358-C-T.
Other names: short protein forms M75I.
Identifiers: ClinVar variation 1788590 (VCV001788590.3), dbSNP rs1384062020, ClinGen allele CA375127519.